The following is an entry in ClinVar:

ClinVar aggregate classification (germline): Likely pathogenic (1 of 4 stars; one submission).

Conditions:
MHC class II deficiency. Also called: Bare lymphocyte syndrome 2; BLS, TYPE II. Identifiers: Orphanet 572, MedGen C5447452, MONDO:0008855.

Submission:

Labcorp Genetics (formerly Invitae), Labcorp
Classification: Likely pathogenic for MHC class II deficiency. Last evaluated: 2019-06-24. Review status: criteria provided, single submitter. Criteria: Invitae Variant Classification Sherloc (09022015). Collection method: clinical testing. Allele origin: germline.
Comment: This variant has not been reported in the literature in individuals with CIITA-related conditions. Algorithms developed to predict the effect of sequence changes on RNA splicing suggest that this variant may disrupt the consensus splice site, but this prediction has not been confirmed by published transcriptional studies. Donor and acceptor splice site variants typically lead to a loss of protein function (PMID: 16199547), and loss-of-function variants in CIITA are known to be pathogenic (PMID: 8402893, 9099848, 26271388). In summary, the currently available evidence indicates that the variant is pathogenic, but additional data are needed to prove that conclusively. Therefore, this variant has been classified as Likely Pathogenic. This variant is not present in population databases (ExAC no frequency). This sequence change affects a donor splice site in intron 15 of the CIITA gene. It is expected to disrupt RNA splicing and likely results in an absent or disrupted protein product.

Literature cited by the submitters: PubMed 16199547; PubMed 8402893; PubMed 9099848; PubMed 26271388.

NM_000246.4(CIITA):c.3062+2T>C

Gene: CIITA (class II major histocompatibility complex transactivator; plus strand). Cytogenetic location: 16p13.13.
Variant type: single nucleotide variant.
Coding change: c.3062+2T>C on transcript NM_000246.4 (MANE Select); the canonical splice donor site of the intron after coding-DNA position 3062, T replaced by C.
Molecular consequence: splice donor variant.
Genome position (GRCh38, 1-based): chr16:10,916,461, T>C. VCF-style: chr16-10916461-T-C. GRCh37 (hg19) VCF-style: chr16-11010318-T-C.
Other names: c.3065+2T>C (NM_001286402.1, NM_001379332.1); c.2918+2T>C (NM_001379330.1); c.3062+2T>C (NM_001379333.1); c.2915+2T>C (NM_001379331.1); c.1310+2T>C (NM_001286403.2); c.2993+2T>C (NM_001379334.1).
Identifiers: ClinVar variation 935646 (VCV000935646.8), dbSNP rs2039957389, ClinGen allele CA394722454.